The following is an entry in ClinVar:

ClinVar aggregate classification (germline): Uncertain significance. Review status: criteria provided, multiple submitters, no conflicts (2 of 4 stars). 2 submissions from 2 submitters: Uncertain significance (2). Last evaluated 2023-02-13.

Conditions:
Charcot-Marie-Tooth disease type 4. Also called: Charcot-Marie-Tooth, Type 4; Charcot-Marie-Tooth disease, type IV. Identifiers: Orphanet 64749, MedGen C4082197, MONDO:0018995.
Inborn genetic diseases. Identifiers: MedGen C0950123, MeSH D030342.

Allele frequency attached by ClinVar (database versions not stated): TOPMed below 0.00001.

Submissions (2):

Ambry Genetics
Classification: Uncertain significance for Inborn genetic diseases. Last evaluated: 2023-02-13. Review status: criteria provided, single submitter. Criteria: Ambry Variant Classification Scheme 2023. Collection method: clinical testing. Allele origin: germline.

Labcorp Genetics (formerly Invitae), Labcorp
Classification: Uncertain significance for Charcot-Marie-Tooth disease type 4. Last evaluated: 2021-09-17. Review status: criteria provided, single submitter. Criteria: Invitae Variant Classification Sherloc (09022015). Collection method: clinical testing. Allele origin: germline.
Comment: This sequence change replaces valine with leucine at codon 626 of the SH3TC2 protein (p.Val626Leu). The valine residue is moderately conserved and there is a small physicochemical difference between valine and leucine. This variant is not present in population databases (ExAC no frequency). This variant has not been reported in the literature in individuals affected with SH3TC2-related conditions. Advanced modeling of protein sequence and biophysical properties (such as structural, functional, and spatial information, amino acid conservation, physicochemical variation, residue mobility, and thermodynamic stability) performed at Invitae indicates that this missense variant is not expected to disrupt SH3TC2 protein function. In summary, the available evidence is currently insufficient to determine the role of this variant in disease. Therefore, it has been classified as a Variant of Uncertain Significance.

NM_024577.4(SH3TC2):c.1876G>T (p.Val626Leu)

Gene: SH3TC2 (SH3 domain and tetratricopeptide repeats 2; minus strand). Cytogenetic location: 5q32.
Variant type: single nucleotide variant.
Coding change: c.1876G>T on transcript NM_024577.4 (MANE Select); coding-DNA position 1876, G replaced by T.
Protein change: p.Val626Leu; replaces valine 626 with leucine.
Molecular consequence: missense variant.
Genome position (GRCh38, 1-based): chr5:149,027,856, C>A on the plus strand (G>T on the coding strand, the complement: SH3TC2 is on the minus strand). VCF-style: chr5-149027856-C-A. GRCh37 (hg19) VCF-style: chr5-148407419-C-A.
Other names: c.1876G>T (NM_024577.3); short protein forms V626L.
Identifiers: ClinVar variation 1402609 (VCV001402609.6), dbSNP rs1311201400, ClinGen allele CA361667543.